The following is an entry in ClinVar:

ClinVar aggregate classification (germline): Uncertain significance (1 of 4 stars; one submission).

Conditions:
Hereditary cancer-predisposing syndrome. Also called: Hereditary Cancer Syndrome; Hereditary neoplastic syndrome; Neoplastic Syndromes, Hereditary; Tumor predisposition. Identifiers: Orphanet 140162, MedGen C0027672, MeSH D009386, MONDO:0015356.

Submission:

Ambry Genetics
Classification: Uncertain significance for Hereditary cancer-predisposing syndrome. Last evaluated: 2025-08-31. Review status: criteria provided, single submitter. Criteria: Ambry Variant Classification Scheme 2023. Collection method: clinical testing. Allele origin: germline.
Comment: The p.H1332P variant (also known as c.3995A>C), located in coding exon 10 of the BRCA2 gene, results from an A to C substitution at nucleotide position 3995. The histidine at codon 1332 is replaced by proline, an amino acid with similar properties. This amino acid position is conserved. In addition, this alteration is predicted to be tolerated by in silico analysis. Based on the available evidence, the clinical significance of this variant remains unclear.

NM_000059.4(BRCA2):c.3995A>C (p.His1332Pro)

Gene: BRCA2 (BRCA2 DNA repair associated; plus strand). Cytogenetic location: 13q13.1.
Variant type: single nucleotide variant.
Coding change: c.3995A>C on transcript NM_000059.4 (MANE Select); coding-DNA position 3995, A replaced by C.
Protein change: p.His1332Pro; replaces histidine 1332 with proline.
Molecular consequence: missense variant. On other transcripts: non-coding transcript variant (1), intron variant (2).
Genome position (GRCh38, 1-based): chr13:32,338,350, A>C. VCF-style: chr13-32338350-A-C. GRCh37 (hg19) VCF-style: chr13-32912487-A-C.
Other names: c.3995A>C, p.His1332Pro (NM_001406719.1, NM_001406720.1, NM_001432077.1); c.1909+4963A>C (NM_001406721.1); c.425-6208A>C (NM_001406722.1); short protein forms H1332P.
Identifiers: ClinVar variation 4215930 (VCV004215930.1).